The following is an entry in ClinVar:

ClinVar aggregate classification (germline): Likely pathogenic (1 of 4 stars; one submission).

Conditions:
Intellectual disability, autosomal dominant 9 (NESCAVS). Also called: KIF1A-Related Neurodevelopmental Disorder; NESCAV SYNDROME. Identifiers: Orphanet 662367, MedGen C5393830, MONDO:0013656, OMIM 614255.

Submission:

3billion
Classification: Likely pathogenic for Intellectual disability, autosomal dominant 9. Last evaluated: 2023-11-23. Review status: criteria provided, single submitter. Criteria: ACMG Guidelines, 2015. Collection method: clinical testing. Allele origin: germline. Affected: yes.
Comment: The variant is not observed in the gnomAD v2.1.1 dataset. Predicted Consequence/Location: The variant is located in a mutational hot spot and/or well-established functional domain in which established pathogenic variants have been reported (PMID: 31488895). Missense changes are a common disease-causing mechanism. In silico tool predictions suggest damaging effect of the variant on gene or gene product [REVEL: 0.80 (>=0.6, sensitivity 0.68 and specificity 0.92); 3Cnet: 0.98 (>=0.6, sensitivity 0.72 and precision 0.9)]. A different missense change at the same codon (p.Asn272Ser) has been reported as pathogenic/likely pathogenic with strong evidence (ClinVar ID: VCV000234899). Therefore, this variant is classified as Likely pathogenic according to the recommendation of ACMG/AMP guideline.

Literature cited by the submitters: PubMed 31488895.

NM_001244008.2(KIF1A):c.814A>G (p.Asn272Asp)

Gene: KIF1A (kinesin family member 1A; minus strand). Cytogenetic location: 2q37.3.
Variant type: single nucleotide variant.
Coding change: c.814A>G on transcript NM_001244008.2 (MANE Select); coding-DNA position 814, A replaced by G.
Protein change: p.Asn272Asp; replaces asparagine 272 with aspartic acid.
Molecular consequence: missense variant.
Genome position (GRCh38, 1-based): chr2:240,783,094, T>C on the plus strand (A>G on the coding strand, the complement: KIF1A is on the minus strand). VCF-style: chr2-240783094-T-C. GRCh37 (hg19) VCF-style: chr2-241722511-T-C.
Other names: c.814A>G, p.Asn272Asp (NM_001330289.2, NM_001330290.2, NM_001379631.1 and 20 more transcripts); short protein forms N272D.
Identifiers: ClinVar variation 3776103 (VCV003776103.1).